The following is an entry in ClinVar:

ClinVar aggregate classification (germline): Uncertain significance (1 of 4 stars; one submission).

Conditions:
Inborn genetic diseases. Identifiers: MedGen C0950123, MeSH D030342.

gnomAD v4.1: 17 of 1,496,670 alleles (0.0011%); highest among the groups gnomAD compares: Non-Finnish European, 0.00027%; no homozygotes.

Submission:

Ambry Genetics
Classification: Uncertain significance for Inborn genetic diseases. Last evaluated: 2024-04-21. Review status: criteria provided, single submitter. Criteria: Ambry Variant Classification Scheme 2023. Collection method: clinical testing. Allele origin: germline.
Comment: The p.F1280Y variant (also known as c.3839T>A), located in coding exon 28 of the LTBP3 gene, results from a T to A substitution at nucleotide position 3839. The phenylalanine at codon 1280 is replaced by tyrosine, an amino acid with highly similar properties. This amino acid position is conserved. In addition, the in silico prediction for this alteration is inconclusive. Based on the available evidence, the clinical significance of this variant remains unclear.

NM_001130144.3(LTBP3):c.3839T>A (p.Phe1280Tyr)

Gene: LTBP3 (latent transforming growth factor beta binding protein 3; minus strand). Cytogenetic location: 11q13.1.
Variant type: single nucleotide variant.
Coding change: c.3839T>A on transcript NM_001130144.3 (MANE Select); coding-DNA position 3839, T replaced by A.
Protein change: p.Phe1280Tyr; replaces phenylalanine 1280 with tyrosine.
Molecular consequence: missense variant.
Genome position (GRCh38, 1-based): chr11:65,539,153, A>T on the plus strand (T>A on the coding strand, the complement: LTBP3 is on the minus strand). VCF-style: chr11-65539153-A-T. GRCh37 (hg19) VCF-style: chr11-65306624-A-T.
Other names: c.3347T>A, p.Phe1116Tyr (NM_001164266.1); c.3698T>A, p.Phe1233Tyr (NM_021070.4); short protein forms F1116Y, F1280Y, F1233Y.
Identifiers: ClinVar variation 3292235 (VCV003292235.1).